The following is an entry in ClinVar:

ClinVar aggregate classification (germline): Uncertain significance (1 of 4 stars; one submission).

Submission:

Women's Health and Genetics/Laboratory Corporation of America, LabCorp
Classification: Uncertain significance. Last evaluated: 2024-12-27. Review status: criteria provided, single submitter. Criteria: LabCorp Variant Classification Summary - May 2015. Collection method: clinical testing. Allele origin: germline.
Comment: Variant summary: MCCC2 c.28C>T (p.Arg10Trp) results in a non-conservative amino acid change in the encoded protein sequence. Three of five in-silico tools predict a damaging effect of the variant on protein function. The variant allele was found at a frequency of 7.6e-06 in 131916 control chromosomes. The available data on variant occurrences in the general population are insufficient to allow any conclusion about variant significance. c.28C>T has been reported in the literature in at least one compound heterozygous individual affected with Methylcrotonyl-CoA Carboxylase Deficiency (Cheng_2023). These data do not allow any conclusion about variant significance. To our knowledge, no experimental evidence demonstrating an impact on protein function has been reported. The following publication has been ascertained in the context of this evaluation (PMID: 36822454). No submitters have cited clinical-significance assessments for this variant to ClinVar. Based on the evidence outlined above, the variant was classified as uncertain significance.

Literature cited by the submitters: PubMed 36822454.

NM_022132.5(MCCC2):c.28C>T (p.Arg10Trp)

Gene: MCCC2 (methylcrotonyl-CoA carboxylase subunit 2; plus strand). Cytogenetic location: 5q13.2.
Variant type: single nucleotide variant.
Coding change: c.28C>T on transcript NM_022132.5 (MANE Select); coding-DNA position 28, C replaced by T.
Protein change: p.Arg10Trp; replaces arginine 10 with tryptophan.
Molecular consequence: missense variant.
Genome position (GRCh38, 1-based): chr5:71,587,453, C>T. VCF-style: chr5-71587453-C-T. GRCh37 (hg19) VCF-style: chr5-70883280-C-T.
Other names: c.28C>T, p.Arg10Trp (NM_001363147.1); short protein forms R10W.
Identifiers: ClinVar variation 3768172 (VCV003768172.1).
Genomic context (GRCh38, chr5:71,587,453, plus strand): 5'-CGTGGGCCGCTCTCTCGCTCGGTGCCCGCCGCCATGTGGGCCGTCCTGAGGTTAGCCCTG[C>T]GGCCGTGTGCCCGCGCCTCTCCCGCCGGGCCGCGCGCCTATCACGGGGACTCGGTGGCCT-3'
Protein context (NP_071415.1, residues 1-20): MWAVLRLAL[Arg10Trp]PCARASPAGP